The following is an entry in ClinVar:

ClinVar aggregate classification (germline): Conflicting classifications of pathogenicity. Review status: criteria provided, conflicting classifications (1 of 4 stars). 3 submissions from 3 submitters: Uncertain significance (1); Likely benign (2). Last evaluated 2024-12-03.

Conditions:
Inborn genetic diseases. Identifiers: MedGen C0950123, MeSH D030342.

gnomAD v4.1: 44 of 1,609,200 alleles (0.0027%); highest among the groups gnomAD compares: African/African-American, 0.055%; no homozygotes.

Submissions (3):

Ambry Genetics
Classification: Likely benign for Inborn genetic diseases. Last evaluated: 2024-12-03. Review status: criteria provided, single submitter. Criteria: Ambry Variant Classification Scheme 2023. Collection method: clinical testing. Allele origin: germline.

GeneDx
Classification: Uncertain significance. Last evaluated: 2024-06-11. Review status: criteria provided, single submitter. Criteria: GeneDx Variant Classification Process June 2021. Collection method: clinical testing. Allele origin: germline. Affected: yes.
Comment: In silico analysis indicates that this missense variant does not alter protein structure/function; Has not been previously published as pathogenic or benign to our knowledge

Blueprint Genetics
Classification: Likely benign. Last evaluated: 2022-09-26. Review status: criteria provided, single submitter. Criteria: ACMG Guidelines, 2015. Collection method: clinical testing. Allele origin: germline.

NM_001375405.1(CEP120):c.2334G>C (p.Glu778Asp)

Gene: CEP120 (centrosomal protein 120; minus strand). Cytogenetic location: 5q23.2.
Variant type: single nucleotide variant.
Coding change: c.2334G>C on transcript NM_001375405.1 (MANE Select); coding-DNA position 2334, G replaced by C.
Protein change: p.Glu778Asp; replaces glutamic acid 778 with aspartic acid.
Molecular consequence: missense variant. On other transcripts: non-coding transcript variant (1).
Genome position (GRCh38, 1-based): chr5:123,377,398, C>G on the plus strand (G>C on the coding strand, the complement: CEP120 is on the minus strand). VCF-style: chr5-123377398-C-G. GRCh37 (hg19) VCF-style: chr5-122713092-C-G.
Other names: c.2256G>C, p.Glu752Asp (NM_001166226.2); c.2199G>C, p.Glu733Asp (NM_001375406.1); c.2334G>C, p.Glu778Asp (NM_001375407.1, NM_153223.4); c.1761G>C, p.Glu587Asp (NM_001375408.1, NM_001375409.1); short protein forms E587D, E733D, E752D, E778D.
Identifiers: ClinVar variation 3390778 (VCV003390778.3).